The following is an entry in ClinVar:

NM_152703.5(SAMD9L):c.2017A>C (p.Lys673Gln)

Gene: SAMD9L (sterile alpha motif domain containing 9 like; minus strand). Cytogenetic location: 7q21.2.
Variant type: single nucleotide variant.
Coding change: c.2017A>C on transcript NM_152703.5 (MANE Select); coding-DNA position 2017, A replaced by C.
Protein change: p.Lys673Gln; replaces lysine 673 with glutamine.
Molecular consequence: missense variant.
Genome position (GRCh38, 1-based): chr7:93,133,955, T>G on the plus strand (A>C on the coding strand, the complement: SAMD9L is on the minus strand). VCF-style: chr7-93133955-T-G. GRCh37 (hg19) VCF-style: chr7-92763268-T-G.
Other names: c.2017A>C, p.Lys673Gln (NM_001303496.3, NM_001303497.3, NM_001303498.3 and 5 more transcripts); c.2017A>C (NM_152703.2); short protein forms K673Q.
Identifiers: ClinVar variation 2991071 (VCV002991071.4), dbSNP rs1792281340, ClinGen allele CA368193575.

ClinVar aggregate classification (germline): Uncertain significance. Review status: criteria provided, multiple submitters, no conflicts (2 of 4 stars). 2 submissions from 2 submitters: Uncertain significance (2). Last evaluated 2024-12-20.

Conditions:
Inborn genetic diseases. Identifiers: MedGen C0950123, MeSH D030342.

Allele frequency attached by ClinVar (database versions not stated): gnomAD exomes below 0.00001; gnomAD 0.00001.
gnomAD v4.1: 3 of 1,613,770 alleles (0.00019%); highest among the groups gnomAD compares: Non-Finnish European, 0.00025%; no homozygotes.

Submissions (2):

Ambry Genetics
Classification: Uncertain significance for Inborn genetic diseases. Last evaluated: 2024-12-20. Review status: criteria provided, single submitter. Criteria: Ambry Variant Classification Scheme 2023. Collection method: clinical testing. Allele origin: germline.
Comment: The p.K673Q variant (also known as c.2017A>C), located in coding exon 1 of the SAMD9L gene, results from an A to C substitution at nucleotide position 2017. The lysine at codon 673 is replaced by glutamine, an amino acid with similar properties. This amino acid position is conserved. In addition, this alteration is predicted to be tolerated by in silico analysis. Based on the available evidence, the clinical significance of this variant remains unclear.

Labcorp Genetics (formerly Invitae), Labcorp
Classification: Uncertain significance. Last evaluated: 2024-09-10. Review status: criteria provided, single submitter. Criteria: Invitae Variant Classification Sherloc (09022015). Collection method: clinical testing. Allele origin: germline.
Comment: This sequence change replaces lysine, which is basic and polar, with glutamine, which is neutral and polar, at codon 673 of the SAMD9L protein (p.Lys673Gln). This variant is not present in population databases (gnomAD no frequency). This variant has not been reported in the literature in individuals affected with SAMD9L-related conditions. An algorithm developed to predict the effect of missense changes on protein structure and function (PolyPhen-2) suggests that this variant is likely to be tolerated. In summary, the available evidence is currently insufficient to determine the role of this variant in disease. Therefore, it has been classified as a Variant of Uncertain Significance.